The following is an entry in ClinVar:

NM_000358.3(TGFBI):c.393G>T (p.Glu131Asp)

Gene: TGFBI (transforming growth factor beta induced; plus strand). Cytogenetic location: 5q31.1.
Variant type: single nucleotide variant.
Coding change: c.393G>T on transcript NM_000358.3 (MANE Select); coding-DNA position 393, G replaced by T.
Protein change: p.Glu131Asp; replaces glutamic acid 131 with aspartic acid.
Molecular consequence: missense variant.
Genome position (GRCh38, 1-based): chr5:136,046,429, G>T. VCF-style: chr5-136046429-G-T. GRCh37 (hg19) VCF-style: chr5-135382118-G-T.
Other names: short protein forms E131D.
Identifiers: ClinVar variation 907740 (VCV000907740.4), dbSNP rs199604416, ClinGen allele CA3420014.

ClinVar aggregate classification (germline): Uncertain significance (1 of 4 stars; one submission).

Conditions:
Corneal dystrophy. Identifiers: Orphanet 34533, MedGen C0010036, MONDO:0018102, HP:0001131.

Allele frequency attached by ClinVar (database versions not stated): gnomAD exomes 0.00001 and 0.00003; TOPMed below 0.00001; ExAC 0.00005.
gnomAD v4.1: 7 of 1,613,838 alleles (0.00043%); highest among the groups gnomAD compares: Non-Finnish European, 0.00059%; no homozygotes.

Submission:

Illumina Laboratory Services, Illumina
Classification: Uncertain significance for Corneal dystrophy. Last evaluated: 2017-04-28. Review status: criteria provided, single submitter. Criteria: ICSL Variant Classification Criteria 13 December 2019. Collection method: clinical testing. Allele origin: germline.
Comment: This variant was observed as part of a predisposition screen in an ostensibly healthy population. A literature search was performed for the gene, cDNA change, and amino acid change (where applicable). Publications were found based on this search. However, the evidence from the literature, in combination with allele frequency data from public databases where available, was not sufficient to rule this variant in or out of causing disease. Therefore, this variant is classified as a variant of unknown significance.

Literature cited by the submitters: PubMed 26961680.